The following is an entry in ClinVar:

NM_001367561.1(DOCK7):c.2509G>A (p.Asp837Asn)

Gene: DOCK7 (dedicator of cytokinesis 7; minus strand). Cytogenetic location: 1p31.3.
Variant type: single nucleotide variant.
Coding change: c.2509G>A on transcript NM_001367561.1 (MANE Select); coding-DNA position 2509, G replaced by A.
Protein change: p.Asp837Asn; replaces aspartic acid 837 with asparagine.
Molecular consequence: missense variant.
Genome position (GRCh38, 1-based): chr1:62,555,912, C>T on the plus strand (G>A on the coding strand, the complement: DOCK7 is on the minus strand). VCF-style: chr1-62555912-C-T. GRCh37 (hg19) VCF-style: chr1-63021583-C-T.
Other names: c.2509G>A, p.Asp837Asn (NM_001271999.2, NM_001272000.2, NM_001272001.2 and 2 more transcripts); c.2509G>A (NM_033407.2); short protein forms D837N.
Identifiers: ClinVar variation 846474 (VCV000846474.14), dbSNP rs1401512821, ClinGen allele CA340623448.

ClinVar aggregate classification (germline): Uncertain significance. Review status: criteria provided, multiple submitters, no conflicts (2 of 4 stars). 2 submissions from 2 submitters: Uncertain significance (2). Last evaluated 2025-02-25.

Conditions:
Inborn genetic diseases. Identifiers: MedGen C0950123, MeSH D030342.
Developmental and epileptic encephalopathy, 23 (DEE23). Also called: Epileptic encephalopathy, early infantile, 23. Identifiers: Orphanet 411986, MedGen C4014492, MONDO:0014371, OMIM 615859.

Submissions (2):

Ambry Genetics
Classification: Uncertain significance for Inborn genetic diseases. Last evaluated: 2025-02-25. Review status: criteria provided, single submitter. Criteria: Ambry Variant Classification Scheme 2023. Collection method: clinical testing. Allele origin: germline.

Labcorp Genetics (formerly Invitae), Labcorp
Classification: Uncertain significance for Developmental and epileptic encephalopathy, 23. Last evaluated: 2022-07-12. Review status: criteria provided, single submitter. Criteria: Invitae Variant Classification Sherloc (09022015). Collection method: clinical testing. Allele origin: germline.
Comment: In summary, the available evidence is currently insufficient to determine the role of this variant in disease. Therefore, it has been classified as a Variant of Uncertain Significance. Algorithms developed to predict the effect of missense changes on protein structure and function are either unavailable or do not agree on the potential impact of this missense change (SIFT: "Deleterious"; PolyPhen-2: "Probably Damaging"; Align-GVGD: "Class C0"). ClinVar contains an entry for this variant (Variation ID: 846474). This variant has not been reported in the literature in individuals affected with DOCK7-related conditions. The frequency data for this variant in the population databases is considered unreliable, as metrics indicate poor data quality at this position in the gnomAD database. This sequence change replaces aspartic acid, which is acidic and polar, with asparagine, which is neutral and polar, at codon 837 of the DOCK7 protein (p.Asp837Asn).